The following is an entry in ClinVar:

ClinVar aggregate classification (germline): Uncertain significance (1 of 4 stars; one submission).

Conditions:
Symmetrical dyschromatosis of extremities (DSH). Also called: DYSCHROMATOSIS SYMMETRICA HEREDITARIA 1; RETICULATE ACROPIGMENTATION OF DOHI; SYMMETRIC DYSCHROMATOSIS OF THE EXTREMITIES; Dyschromatosis symmetrica hereditaria. Identifiers: Orphanet 41, MedGen C0406775, MONDO:0007483, OMIM 127400.
Aicardi-Goutieres syndrome 6 (AGS6). Identifiers: Orphanet 51, MedGen C3539013, MONDO:0014007, OMIM 615010.

Submission:

Labcorp Genetics (formerly Invitae), Labcorp
Classification: Uncertain significance for Aicardi-Goutieres syndrome 6; Symmetrical dyschromatosis of extremities. Last evaluated: 2023-07-28. Review status: criteria provided, single submitter. Criteria: Invitae Variant Classification Sherloc (09022015). Collection method: clinical testing. Allele origin: germline.
Comment: This variant has not been reported in the literature in individuals affected with ADAR-related conditions. This variant is not present in population databases (gnomAD no frequency). This sequence change replaces aspartic acid, which is acidic and polar, with glycine, which is neutral and non-polar, at codon 908 of the ADAR protein (p.Asp908Gly). Advanced modeling of protein sequence and biophysical properties (such as structural, functional, and spatial information, amino acid conservation, physicochemical variation, residue mobility, and thermodynamic stability) has been performed at Invitae for this missense variant, however the output from this modeling did not meet the statistical confidence thresholds required to predict the impact of this variant on ADAR protein function. In summary, the available evidence is currently insufficient to determine the role of this variant in disease. Therefore, it has been classified as a Variant of Uncertain Significance.

NM_001111.5(ADAR):c.2723A>G (p.Asp908Gly)

Genes: ADAR (adenosine deaminase RNA specific; minus strand), LOC126805874 (CDK7 strongly-dependent group 2 enhancer GRCh37_chr1:154561176-154562375; plus strand). Cytogenetic location: 1q21.3.
Variant type: single nucleotide variant.
Coding change: c.2723A>G on transcript NM_001111.5 (MANE Select); coding-DNA position 2723, A replaced by G.
Protein change: p.Asp908Gly; replaces aspartic acid 908 with glycine.
Molecular consequence: missense variant.
Genome position (GRCh38, 1-based): chr1:154,589,408, T>C on the plus strand (A>G on the coding strand, the complement: ADAR is on the minus strand). VCF-style: chr1-154589408-T-C. GRCh37 (hg19) VCF-style: chr1-154561884-T-C.
Other names: c.1838A>G, p.Asp613Gly (NM_001025107.3, NM_001193495.2, NM_001365046.1 and 2 more transcripts); c.2750A>G, p.Asp917Gly (NM_001365045.1); c.1760A>G, p.Asp587Gly (NM_001365049.1); c.2645A>G, p.Asp882Gly (NM_015840.4); c.2588A>G, p.Asp863Gly (NM_015841.4); short protein forms D613G, D863G, D917G, D587G, D882G, D908G.
Identifiers: ClinVar variation 2935326 (VCV002935326.3), dbSNP rs2526506182, ClinGen allele CA342636606.
Genomic context (GRCh38, chr1:154,589,408, plus strand): 5'-CACAGCTCTGACCTCGCTCACCTGATGAAGCCTCTCCGGGAGATTATTTCTGCATGGCAG[T>C]CATTGACAGTTTCTCCTTTTAGGCTGAGAGAATCTCCTTTCACACAGCGATTCCCTAGGA-3'
Protein context (NP_001102.3, residues 898-918): SLSLKGETVN[Asp908Gly]CHAEIISRRG